The following is an entry in ClinVar:

NM_000092.5(COL4A4):c.3918del (p.Gly1307fs)

Gene: COL4A4 (collagen type IV alpha 4 chain; minus strand). Cytogenetic location: 2q36.3.
Variant type: Deletion.
Coding change: c.3918del on transcript NM_000092.5 (MANE Select); coding-DNA position 3918, one base deleted (A; older notation c.3918delA).
Protein change: p.Gly1307fs; shifts the reading frame from glycine 1307.
Molecular consequence: frameshift variant.
Genome position (GRCh38, 1-based): chr2:227,030,498, T deleted on the plus strand (A on the coding strand, the reverse complement: COL4A4 is on the minus strand). VCF-style (leftmost placement, unchanged base first): chr2-227030497-CT-C. GRCh37 (hg19) VCF-style: chr2-227895213-CT-C.
Other names: short protein forms G1307fs.
Identifiers: ClinVar variation 3771761 (VCV003771761.13).

ClinVar aggregate classification (germline): Pathogenic (1 of 4 stars; one submission).

Submission:

CeGaT Center for Human Genetics Tuebingen
Classification: Pathogenic. Last evaluated: 2026-02-01. Review status: criteria provided, single submitter. Criteria: CeGaT Center For Human Genetics Tuebingen Variant Classification Criteria Version 2. Collection method: clinical testing. Allele origin: germline. Affected: yes. Observed: 2 variant alleles.
Comment: COL4A4: PVS1, PM2